The following is an entry in ClinVar:

ClinVar aggregate classification (germline): Benign/Likely benign. Review status: criteria provided, multiple submitters, no conflicts (2 of 4 stars). 8 submissions from 8 submitters: Benign (4); Likely benign (1). 3 of the submissions do not count toward it. Last evaluated 2026-01-20.

Conditions:
GATAD1-related disorder. Also called: GATAD1-related condition.
Cardiovascular phenotype. Identifiers: MedGen CN230736.
Dilated cardiomyopathy 2B. Identifiers: Orphanet 154, MedGen C3553409, MONDO:0013848, OMIM 614672.

Allele frequency attached by ClinVar (database versions not stated): gnomAD 0.00008 and 0.00089; ESP Exome Variant Server 0.00015; TOPMed 0.00016; gnomAD exomes 0.00168 and 0.00329; ExAC 0.00375; 1000 Genomes Project 30x 0.00640; 1000 Genomes Project 0.00719.
gnomAD v4.1: 2,596 of 1,613,342 alleles (0.16%); highest among the groups gnomAD compares: South Asian, 2.6%; 66 homozygotes.

Submissions (8):

Labcorp Genetics (formerly Invitae), Labcorp
Classification: Benign for Dilated cardiomyopathy 2B. Last evaluated: 2026-01-20. Review status: criteria provided, single submitter. Criteria: Invitae Variant Classification Sherloc (09022015). Collection method: clinical testing. Allele origin: germline.

GeneDx
Classification: Benign. Last evaluated: 2018-12-31. Review status: criteria provided, single submitter. Criteria: GeneDx Variant Classification Process June 2021. Collection method: clinical testing. Allele origin: germline. Affected: yes.

Ambry Genetics
Classification: Likely benign for Cardiovascular phenotype. Last evaluated: 2015-06-10. Review status: criteria provided, single submitter. Criteria: Ambry Variant Classification Scheme 2023. Collection method: clinical testing. Allele origin: germline.

Laboratory for Molecular Medicine, Mass General Brigham Personalized Medicine
Classification: Benign. Last evaluated: 2015-04-01. Review status: criteria provided, single submitter. Criteria: LMM Criteria. Collection method: clinical testing. Allele origin: germline. Observed: 6 variant alleles.
Comment: p.Thr186Thr in exon 4 of GATAD1: This variant is not expected to have clinical s ignificance because it has been identified in 2.6% (438/16512) of South Asian ch romosomes, including 16 homozygotes, by the Exome Aggregation Consortium (ExAC; dbSNP rs141932124).

Eurofins Ntd Llc (ga)
Classification: Benign. Last evaluated: 2015-02-05. Review status: criteria provided, single submitter. Criteria: EGL Classification Definitions 2015. Collection method: clinical testing. Allele origin: germline. Observed: 1 variant allele, 1 heterozygote.

PreventionGenetics, part of Exact Sciences
Classification: Benign for GATAD1-related condition. Last evaluated: 2024-08-11. Review status: no assertion criteria provided. Collection method: clinical testing. Allele origin: germline. Not counted in ClinVar's aggregate classification.
Comment: This variant is classified as benign based on ACMG/AMP sequence variant interpretation guidelines (Richards et al. 2015 PMID: 25741868, with internal and published modifications).

Clinical Genetics DNA and cytogenetics Diagnostics Lab, Erasmus MC, Erasmus Medical Center
Classification: Benign. Review status: no assertion criteria provided. Collection method: clinical testing. Allele origin: germline. Affected: yes. Study: VKGL Data-share Consensus. Not counted in ClinVar's aggregate classification.

Diagnostic Laboratory, Department of Genetics, University Medical Center Groningen
Classification: Likely benign. Review status: no assertion criteria provided. Collection method: clinical testing. Allele origin: germline. Affected: yes. Study: VKGL Data-share Consensus. Not counted in ClinVar's aggregate classification.

NM_021167.5(GATAD1):c.558G>A (p.Thr186=)

Gene: GATAD1 (GATA zinc finger domain containing 1; plus strand). Cytogenetic location: 7q21.2.
Variant type: single nucleotide variant.
Coding change: c.558G>A on transcript NM_021167.5 (MANE Select); coding-DNA position 558, G replaced by A.
Protein change: p.Thr186=; no amino-acid change (threonine 186 retained).
Molecular consequence: synonymous variant. On other transcripts: non-coding transcript variant (1).
Genome position (GRCh38, 1-based): chr7:92,454,624, G>A. VCF-style: chr7-92454624-G-A. GRCh37 (hg19) VCF-style: chr7-92083938-G-A.
Identifiers: ClinVar variation 45828 (VCV000045828.29), dbSNP rs141932124, ClinGen allele CA137118.